The following is an entry in ClinVar:

NM_000018.4(ACADVL):c.336_339delinsTTT (p.Phe113fs)

Gene: ACADVL (acyl-CoA dehydrogenase very long chain; plus strand). Cytogenetic location: 17p13.1.
Variant type: Indel.
Coding change: c.336_339delinsTTT on transcript NM_000018.4 (MANE Select); coding-DNA positions 336 to 339, CTTC replaced by TTT.
Protein change: p.Phe113fs; shifts the reading frame from phenylalanine 113.
Molecular consequence: frameshift variant.
Genome position (GRCh38, 1-based): chr17:7,220,824-7,220,827, CTTC replaced by TTT. VCF-style: chr17-7220824-CTTC-TTT. GRCh37 (hg19) VCF-style: chr17-7124143-CTTC-TTT.
Other names: c.270_273delinsTTT, p.Phe91fs (NM_001033859.3); c.405_408delinsTTT, p.Phe136fs (NM_001270447.2); c.108_111delinsTTT, p.Phe37fs (NM_001270448.2); short protein forms F113fs, F136fs, F37fs, F91fs.
Identifiers: ClinVar variation 2633650 (VCV002633650.1), dbSNP rs2508258826, ClinGen allele CA2695199909.

ClinVar aggregate classification (germline): Likely pathogenic (1 of 4 stars; one submission).

Conditions:
ACADVL-related disorder. Also called: ACADVL-related condition.

Submission:

PreventionGenetics, part of Exact Sciences
Classification: Likely pathogenic for ACADVL-related condition. Last evaluated: 2023-03-22. Review status: criteria provided, single submitter. Criteria: ACMG Guidelines, 2015. Collection method: clinical testing. Allele origin: germline.
Comment: The ACADVL c.336_339delinsTTT variant is predicted to result in a frameshift and premature protein termination (p.Phe113Leufs*4). To our knowledge, this variant has not been reported in the literature or in a large population database, indicating this variant is rare. Frameshift variants in ACADVL are expected to be pathogenic. Therefore, this variant is interpreted as likely pathogenic.